The following is an entry in ClinVar:

ClinVar aggregate classification (germline): Uncertain significance (1 of 4 stars; one submission).

Conditions:
Hyperammonemic encephalopathy due to carbonic anhydrase VA deficiency. Also called: Carbonic Anhydrase VA Deficiency; Carbonic anhydrase VA deficiency, hyperammonemia due to. Identifiers: Orphanet 401948, MedGen C4706871, MONDO:0014332, OMIM 615751.

Allele frequency attached by ClinVar (database versions not stated): gnomAD exomes 0.00002 and 0.00003; TOPMed 0.00003; gnomAD 0.00005; 1000 Genomes Project 30x 0.00016; 1000 Genomes Project 0.00020.
gnomAD v4.1: 52 of 1,538,434 alleles (0.0034%); highest among the groups gnomAD compares: East Asian, 0.013%; no homozygotes.

Submission:

Labcorp Genetics (formerly Invitae), Labcorp
Classification: Uncertain significance for Hyperammonemic encephalopathy due to carbonic anhydrase VA deficiency. Last evaluated: 2021-11-08. Review status: criteria provided, single submitter. Criteria: Invitae Variant Classification Sherloc (09022015). Collection method: clinical testing. Allele origin: germline.
Comment: In summary, the available evidence is currently insufficient to determine the role of this variant in disease. Therefore, it has been classified as a Variant of Uncertain Significance. Algorithms developed to predict the effect of missense changes on protein structure and function output the following: SIFT: "Tolerated"; PolyPhen-2: "Benign"; Align-GVGD: "Class C0". The glutamine amino acid residue is found in multiple mammalian species, which suggests that this missense change does not adversely affect protein function. This sequence change replaces arginine, which is basic and polar, with glutamine, which is neutral and polar, at codon 209 of the CA5A protein (p.Arg209Gln). The frequency data for this variant in the population databases is considered unreliable, as metrics indicate poor data quality at this position in the gnomAD database. This variant has not been reported in the literature in individuals affected with CA5A-related conditions.

NM_001739.2(CA5A):c.626G>A (p.Arg209Gln)

Gene: CA5A (carbonic anhydrase 5A; minus strand). Cytogenetic location: 16q24.2.
Variant type: single nucleotide variant.
Coding change: c.626G>A on transcript NM_001739.2 (MANE Select); coding-DNA position 626, G replaced by A.
Protein change: p.Arg209Gln; replaces arginine 209 with glutamine.
Molecular consequence: missense variant. On other transcripts: non-coding transcript variant (2).
Genome position (GRCh38, 1-based): chr16:87,891,947, C>T on the plus strand (G>A on the coding strand, the complement: CA5A is on the minus strand). VCF-style: chr16-87891947-C-T. GRCh37 (hg19) VCF-style: chr16-87925553-C-T.
Other names: c.626G>A, p.Arg209Gln (NM_001367225.1); short protein forms R209Q.
Identifiers: ClinVar variation 1427781 (VCV001427781.6), dbSNP rs553928413, ClinGen allele CA8223336.